The following is an entry in ClinVar:

NM_003126.4(SPTA1):c.5958C>T (p.Pro1986=)

Gene: SPTA1 (spectrin alpha, erythrocytic 1; minus strand). Cytogenetic location: 1q23.1.
Variant type: single nucleotide variant.
Coding change: c.5958C>T on transcript NM_003126.4 (MANE Select); coding-DNA position 5958, C replaced by T.
Protein change: p.Pro1986=; no amino-acid change (proline 1986 retained).
Molecular consequence: synonymous variant.
Genome position (GRCh38, 1-based): chr1:158,623,145, G>A on the plus strand (C>T on the coding strand, the complement: SPTA1 is on the minus strand). VCF-style: chr1-158623145-G-A. GRCh37 (hg19) VCF-style: chr1-158592935-G-A.
Other names: p.Pro1986=.
Identifiers: ClinVar variation 258949 (VCV000258949.36), dbSNP rs3753068, ClinGen allele CA1182124.
Genomic context (GRCh38, chr1:158,623,145, plus strand): 5'-AATGGCTTTAGACTGGTTGTGTTGAGCAGAAATCAGTTTGTCCTTCAGGTCAGTGATCTC[G>A]GGAAGTCTCTCTTGCTGGAAACTCTGCAGACTGGCATCCAGAGTGTCCTGAGAAAGATCA-3'
Protein context (NP_003117.2, residues 1976-1996): SLQSFQQERL[Pro1986=]EITDLKDKLI

ClinVar aggregate classification (germline): Benign/Likely benign. Review status: criteria provided, multiple submitters, no conflicts (2 of 4 stars). 14 submissions from 10 submitters: Benign (11); Likely benign (1). 2 of the submissions do not count toward it. Last evaluated 2026-02-03.

Conditions:
Hereditary spherocytosis type 3. Also called: Spherocytosis type 3; SPTA1-Related Spherocytosis. Identifiers: Orphanet 822, MedGen C2678338, MONDO:0010053, OMIM 270970.
Pyropoikilocytosis, hereditary. Also called: Pyropoikilocytosis. Identifiers: MedGen C0520739, MONDO:0009948, OMIM 266140, HP:0004839. Disease mechanism: loss of function.
Elliptocytosis 2 (EL2). Also called: ELLIPTOCYTOSIS, RHESUS-UNLINKED TYPE. Identifiers: Orphanet 288, MedGen C1851741, MONDO:0007533, OMIM 130600.

Allele frequency attached by ClinVar (database versions not stated): gnomAD exomes 0.29008 and 0.29650; ExAC 0.29561; 1000 Genomes Project 0.31050; 1000 Genomes Project 30x 0.31715; ESP Exome Variant Server 0.32593; TOPMed 0.32889; gnomAD 0.33168 and 0.33588.
gnomAD v4.1: 483,907 of 1,613,570 alleles (30%); highest among the groups gnomAD compares: African/African-American, 43%; 74,567 homozygotes.

Submissions (14):

Labcorp Genetics (formerly Invitae), Labcorp
Classification: Benign. Last evaluated: 2026-02-03. Review status: criteria provided, single submitter. Criteria: Invitae Variant Classification Sherloc (09022015). Collection method: clinical testing. Allele origin: germline.

ARUP Laboratories, Molecular Genetics and Genomics, ARUP Laboratories
Classification: Benign. Last evaluated: 2025-07-31. Review status: criteria provided, single submitter. Criteria: ARUP Molecular Germline Variant Investigation Process 2024. Collection method: clinical testing. Allele origin: germline.

Blueprint Genetics
Classification: Likely benign. Last evaluated: 2024-11-26. Review status: criteria provided, single submitter. Criteria: ACMG Guidelines, 2015. Collection method: clinical testing. Allele origin: germline.

Genome-Nilou Lab
Classification: Benign for Pyropoikilocytosis, hereditary. Last evaluated: 2021-07-15. Review status: criteria provided, single submitter. Criteria: ACMG Guidelines, 2015. Collection method: clinical testing. Allele origin: germline. Affected: no.

Genome-Nilou Lab
Classification: Benign for Hereditary spherocytosis type 3. Last evaluated: 2021-07-15. Review status: criteria provided, single submitter. Criteria: ACMG Guidelines, 2015. Collection method: clinical testing. Allele origin: germline. Affected: no.

Genome-Nilou Lab
Classification: Benign for Elliptocytosis 2. Last evaluated: 2021-07-15. Review status: criteria provided, single submitter. Criteria: ACMG Guidelines, 2015. Collection method: clinical testing. Allele origin: germline. Affected: no.

Illumina Laboratory Services, Illumina
Classification: Benign for Hereditary spherocytosis type 3. Last evaluated: 2018-01-12. Review status: criteria provided, single submitter. Criteria: ICSL Variant Classification Criteria 13 December 2019. Collection method: clinical testing. Allele origin: germline.
Comment: This variant was observed in the ICSL laboratory as part of a predisposition screen in an ostensibly healthy population. It had not been previously curated by ICSL or reported in the Human Gene Mutation Database (HGMD: prior to June 1st, 2018), and was therefore a candidate for classification through an automated scoring system. Utilizing variant allele frequency, disease prevalence and penetrance estimates, and inheritance mode, an automated score was calculated to assess if this variant is too frequent to cause the disease. Based on the score and internal cut-off values, a variant classified as benign is not then subjected to further curation. The score for this variant resulted in a classification of benign for this disease.

Illumina Laboratory Services, Illumina
Classification: Benign for Elliptocytosis 2. Last evaluated: 2018-01-12. Review status: criteria provided, single submitter. Criteria: ICSL Variant Classification Criteria 13 December 2019. Collection method: clinical testing. Allele origin: germline.
Comment: the same text as in the submission from Illumina Laboratory Services, Illumina above.

Illumina Laboratory Services, Illumina
Classification: Benign for Pyropoikilocytosis, hereditary. Last evaluated: 2018-01-12. Review status: criteria provided, single submitter. Criteria: ICSL Variant Classification Criteria 13 December 2019. Collection method: clinical testing. Allele origin: germline.
Comment: the same text as in the submission from Illumina Laboratory Services, Illumina above.

Mayo Clinic Laboratories, Mayo Clinic
Classification: Benign. Last evaluated: 2016-04-15. Review status: criteria provided, single submitter. Criteria: ACMG Guidelines, 2015. Collection method: clinical testing. Allele origin: germline. Observed: 1,313 variant alleles.

Breakthrough Genomics
Classification: Benign. Review status: criteria provided, single submitter. Criteria: ACMG Guidelines, 2015. Collection method: not provided. Allele origin: germline. Inheritance: Autosomal recessive inheritance. Affected: yes.

PreventionGenetics, part of Exact Sciences
Classification: Benign. Review status: criteria provided, single submitter. Criteria: ACMG Guidelines, 2015. Collection method: clinical testing. Allele origin: germline.

Diagnostic Laboratory, Department of Genetics, University Medical Center Groningen
Classification: Benign. Review status: no assertion criteria provided. Collection method: clinical testing. Allele origin: germline. Affected: yes. Study: VKGL Data-share Consensus. Not counted in ClinVar's aggregate classification.

Genome Diagnostics Laboratory, University Medical Center Utrecht
Classification: Benign. Review status: no assertion criteria provided. Collection method: clinical testing. Allele origin: germline. Affected: yes. Study: VKGL Data-share Consensus. Not counted in ClinVar's aggregate classification.